The following is an entry in ClinVar:

ClinVar aggregate classification (germline): Uncertain significance. Review status: criteria provided, multiple submitters, no conflicts (2 of 4 stars). 4 submissions from 4 submitters: Uncertain significance (4). Last evaluated 2025-04-16.

Conditions:
Jervell and Lange-Nielsen syndrome 1 (JLNS1). Also called: CARDIOAUDITORY SYNDROME OF JERVELL AND LANGE-NIELSEN; DEAFNESS, CONGENITAL, AND FUNCTIONAL HEART DISEASE; PROLONGED QT INTERVAL IN EKG AND SUDDEN DEATH; SURDO-CARDIAC SYNDROME. Identifiers: Orphanet 768, Orphanet 90647, MedGen C4551509, MONDO:0024540, OMIM 220400.
KCNQ1-related disorder. Also called: KCNQ1-related disorders; KCNQ1-related condition. Identifiers: MedGen CN239322.
Cardiovascular phenotype. Identifiers: MedGen CN230736.
Long QT syndrome (LQTS). Identifiers: MedGen C0023976, MeSH D008133, MONDO:0002442. Disease mechanism: loss of function. Inheritance: Various modes of inheritance.

Allele frequency attached by ClinVar (database versions not stated): gnomAD 0.00002; TOPMed 0.00002.
gnomAD v4.1: 6 of 1,330,512 alleles (0.00045%); highest among the groups gnomAD compares: Middle Eastern, 0.027%; no homozygotes.

Submissions (4):

PreventionGenetics, part of Exact Sciences
Classification: Uncertain significance for KCNQ1-related condition. Last evaluated: 2025-04-16. Review status: criteria provided, single submitter. Criteria: ACMG Guidelines, 2015. Collection method: clinical testing. Allele origin: germline.
Comment: The KCNQ1 c.187C>T variant is predicted to result in the amino acid substitution p.Pro63Ser. To our knowledge, this variant has not been reported in the literature or in a large population database (gnomAD), indicating this variant is rare. At this time, the clinical significance of this variant is uncertain due to the absence of conclusive functional and genetic evidence.

Labcorp Genetics (formerly Invitae), Labcorp
Classification: Uncertain significance for Long QT syndrome. Last evaluated: 2024-08-20. Review status: criteria provided, single submitter. Criteria: Invitae Variant Classification Sherloc (09022015). Collection method: clinical testing. Allele origin: germline.
Comment: This sequence change replaces proline, which is neutral and non-polar, with serine, which is neutral and polar, at codon 63 of the KCNQ1 protein (p.Pro63Ser). This variant is not present in population databases (gnomAD no frequency). This variant has not been reported in the literature in individuals affected with KCNQ1-related conditions. ClinVar contains an entry for this variant (Variation ID: 1058075). Invitae Evidence Modeling of protein sequence and biophysical properties (such as structural, functional, and spatial information, amino acid conservation, physicochemical variation, residue mobility, and thermodynamic stability) indicates that this missense variant is not expected to disrupt KCNQ1 protein function with a negative predictive value of 95%. In summary, the available evidence is currently insufficient to determine the role of this variant in disease. Therefore, it has been classified as a Variant of Uncertain Significance.

Ambry Genetics
Classification: Uncertain significance for Cardiovascular phenotype. Last evaluated: 2021-12-07. Review status: criteria provided, single submitter. Criteria: Ambry Variant Classification Scheme 2023. Collection method: clinical testing. Allele origin: germline.
Comment: The p.P63S variant (also known as c.187C>T), located in coding exon 1 of the KCNQ1 gene, results from a C to T substitution at nucleotide position 187. The proline at codon 63 is replaced by serine, an amino acid with similar properties. This alteration has been reported in a primary arrhythmia cohort; however, clinical details were limited (Walsh R et al. Genet Med, 2021 01;23:47-58). This amino acid position is poorly conserved in available vertebrate species. In addition, this alteration is predicted to be tolerated by in silico analysis. Since supporting evidence is limited at this time, the clinical significance of this alteration remains unclear.

Genetics and Molecular Pathology, SA Pathology
Classification: Uncertain significance for Jervell and Lange-Nielsen syndrome 1. Last evaluated: 2019-07-04. Review status: criteria provided, single submitter. Criteria: ACMG Guidelines, 2015. Collection method: clinical testing. Allele origin: germline.

Literature cited by the submitters: PubMed 32893267 (cited by Ambry Genetics).

NM_000218.3(KCNQ1):c.187C>T (p.Pro63Ser)

Gene: KCNQ1 (potassium voltage-gated channel subfamily Q member 1; plus strand). Cytogenetic location: 11p15.5.
Variant type: single nucleotide variant.
Coding change: c.187C>T on transcript NM_000218.3 (MANE Select); coding-DNA position 187, C replaced by T.
Protein change: p.Pro63Ser; replaces proline 63 with serine.
Molecular consequence: missense variant.
Genome position (GRCh38, 1-based): chr11:2,445,285, C>T. VCF-style: chr11-2445285-C-T. GRCh37 (hg19) VCF-style: chr11-2466515-C-T.
Other names: short protein forms P63S.
Identifiers: ClinVar variation 1058075 (VCV001058075.14), dbSNP rs1280717988, ClinGen allele CA379116554.